The following is an entry in ClinVar:

NM_003482.4(KMT2D):c.14177G>A (p.Gly4726Asp)

Gene: KMT2D (lysine methyltransferase 2D; minus strand). Cytogenetic location: 12q13.12.
Variant type: single nucleotide variant.
Coding change: c.14177G>A on transcript NM_003482.4 (MANE Select); coding-DNA position 14177, G replaced by A.
Protein change: p.Gly4726Asp; replaces glycine 4726 with aspartic acid.
Molecular consequence: missense variant.
Genome position (GRCh38, 1-based): chr12:49,029,135, C>T on the plus strand (G>A on the coding strand, the complement: KMT2D is on the minus strand). VCF-style: chr12-49029135-C-T. GRCh37 (hg19) VCF-style: chr12-49422918-C-T.
Other names: short protein forms G4726D.
Identifiers: ClinVar variation 1696924 (VCV001696924.2), dbSNP rs748432945, ClinGen allele CA6545812.

ClinVar aggregate classification (germline): Uncertain significance (1 of 4 stars; one submission).

Allele frequency attached by ClinVar (database versions not stated): ExAC 0.00001.

Submission:

GeneDx
Classification: Uncertain significance. Last evaluated: 2022-01-13. Review status: criteria provided, single submitter. Criteria: GeneDx Variant Classification Process June 2021. Collection method: clinical testing. Allele origin: germline. Affected: yes.
Comment: In silico analysis supports that this missense variant does not alter protein structure/function; Has not been previously published as pathogenic or benign to our knowledge